The following is an entry in ClinVar:

NM_007186.6(CEP250):c.700G>A (p.Gly234Arg)

Gene: CEP250 (centrosomal protein 250; plus strand). Cytogenetic location: 20q11.22.
Variant type: single nucleotide variant.
Coding change: c.700G>A on transcript NM_007186.6 (MANE Select); coding-DNA position 700, G replaced by A.
Protein change: p.Gly234Arg; replaces glycine 234 with arginine.
Molecular consequence: missense variant. On other transcripts: 5 prime UTR variant (1).
Genome position (GRCh38, 1-based): chr20:35,467,404, G>A. VCF-style: chr20-35467404-G-A. GRCh37 (hg19) VCF-style: chr20-34055229-G-A.
Other names: c.-1200G>A (NM_001318219.1); short protein forms G234R.
Identifiers: ClinVar variation 953406 (VCV000953406.9), dbSNP rs774719815, ClinGen allele CA9832691.

ClinVar aggregate classification (germline): Uncertain significance. Review status: criteria provided, multiple submitters, no conflicts (2 of 4 stars). 2 submissions from 2 submitters: Uncertain significance (2). Last evaluated 2025-01-06.

Allele frequency attached by ClinVar (database versions not stated): ExAC 0.00001; gnomAD exomes 0.00001 and 0.00002; gnomAD 0.00002 and 0.00003; TOPMed 0.00002.
gnomAD v4.1: 27 of 1,614,102 alleles (0.0017%); highest among the groups gnomAD compares: Non-Finnish European, 0.0019%; no homozygotes.

Submissions (2):

Labcorp Genetics (formerly Invitae), Labcorp
Classification: Uncertain significance. Last evaluated: 2025-01-06. Review status: criteria provided, single submitter. Criteria: Invitae Variant Classification Sherloc (09022015). Collection method: clinical testing. Allele origin: germline.
Comment: This sequence change replaces glycine, which is neutral and non-polar, with arginine, which is basic and polar, at codon 234 of the CEP250 protein (p.Gly234Arg). This variant is present in population databases (rs774719815, gnomAD 0.004%). This variant has not been reported in the literature in individuals affected with CEP250-related conditions. ClinVar contains an entry for this variant (Variation ID: 953406). An algorithm developed to predict the effect of missense changes on protein structure and function (PolyPhen-2) suggests that this variant¬†is likely to be tolerated. In summary, the available evidence is currently insufficient to determine the role of this variant in disease. Therefore, it has been classified as a Variant of Uncertain Significance.

Blueprint Genetics
Classification: Uncertain significance. Last evaluated: 2022-10-21. Review status: criteria provided, single submitter. Criteria: ACMG Guidelines, 2015. Collection method: clinical testing. Allele origin: germline.